The following is an entry in ClinVar:

NM_181507.2(HPS5):c.2149_2150del (p.Leu717fs)

Gene: HPS5 (HPS5 biogenesis of lysosomal organelles complex 2 subunit 2; minus strand). Cytogenetic location: 11p15.1.
Variant type: Deletion.
Coding change: c.2149_2150del on transcript NM_181507.2 (MANE Select); coding-DNA positions 2149 to 2150, 2 bases deleted (TT; older notation c.2149_2150delTT).
Protein change: p.Leu717fs; shifts the reading frame from leucine 717.
Molecular consequence: frameshift variant.
Genome position (GRCh38, 1-based): chr11:18,291,732-18,291,733, AA deleted on the plus strand (TT on the coding strand, the reverse complement: HPS5 is on the minus strand); deleting any 2 consecutive bases within chr11:18,291,732-18,291,734 gives the same sequence; the c. name uses the placement nearest the transcript's 3' end. VCF-style (leftmost placement, unchanged base first): chr11-18291731-CAA-C. GRCh37 (hg19) VCF-style: chr11-18313278-CAA-C.
Other names: c.1807_1808del, p.Leu603fs (NM_007216.4); c.1806_1807delTT, p.Leu603Glyfs (NM_181508.2); short protein forms L603fs, L717fs.
Identifiers: ClinVar variation 3633211 (VCV003633211.2).
Genomic context (GRCh38, chr11:18,291,731, plus strand): 5'-CAGGTCGTTCCGAAGACCACTTGCAATGGCGCATGGAGAACATATTTGAAACAGGTCATC[CAA>C]AGACTCCCTTGGACTCCTTACACATTCACATGCTGTTTTATCAACAGATTCTTCATTGCC-3'

ClinVar aggregate classification (germline): Pathogenic (1 of 4 stars; one submission).

Submission:

Labcorp Genetics (formerly Invitae), Labcorp
Classification: Pathogenic. Last evaluated: 2024-02-04. Review status: criteria provided, single submitter. Criteria: Invitae Variant Classification Sherloc (09022015). Collection method: clinical testing. Allele origin: germline.
Comment: This sequence change creates a premature translational stop signal (p.Leu717Glyfs*2) in the HPS5 gene. It is expected to result in an absent or disrupted protein product. Loss-of-function variants in HPS5 are known to be pathogenic (PMID: 12548288, 15296495, 21833017, 26785811). This variant is not present in population databases (gnomAD no frequency). This variant has not been reported in the literature in individuals affected with HPS5-related conditions. For these reasons, this variant has been classified as Pathogenic.

Literature cited by the submitters: PubMed 12548288; PubMed 15296495; PubMed 21833017; PubMed 26785811.